The following is an entry in ClinVar:

ClinVar aggregate classification (germline): Uncertain significance (1 of 4 stars; one submission).

Submission:

Labcorp Genetics (formerly Invitae), Labcorp
Classification: Uncertain significance. Last evaluated: 2022-08-09. Review status: criteria provided, single submitter. Criteria: Invitae Variant Classification Sherloc (09022015). Collection method: clinical testing. Allele origin: germline.
Comment: In summary, the available evidence is currently insufficient to determine the role of this variant in disease. Therefore, it has been classified as a Variant of Uncertain Significance. Algorithms developed to predict the effect of missense changes on protein structure and function (SIFT, PolyPhen-2, Align-GVGD) all suggest that this variant is likely to be tolerated. ClinVar contains an entry for this variant (Variation ID: 1522018). This variant has not been reported in the literature in individuals affected with GANAB-related conditions. This variant is not present in population databases (gnomAD no frequency). This sequence change replaces alanine, which is neutral and non-polar, with serine, which is neutral and polar, at codon 529 of the GANAB protein (p.Ala529Ser).

NM_198334.3(GANAB):c.1519G>T (p.Ala507Ser)

Gene: GANAB (glucosidase II alpha subunit; minus strand). Cytogenetic location: 11q12.3.
Variant type: single nucleotide variant.
Coding change: c.1519G>T on transcript NM_198334.3 (MANE Select); coding-DNA position 1519, G replaced by T.
Protein change: p.Ala507Ser; replaces alanine 507 with serine.
Molecular consequence: missense variant.
Genome position (GRCh38, 1-based): chr11:62,630,271, C>A on the plus strand (G>T on the coding strand, the complement: GANAB is on the minus strand). VCF-style: chr11-62630271-C-A. GRCh37 (hg19) VCF-style: chr11-62397743-C-A.
Other names: c.1243G>T, p.Ala415Ser (NM_001278192.2); c.1177G>T, p.Ala393Ser (NM_001278193.2); c.1228G>T, p.Ala410Ser (NM_001278194.2, NM_001329222.2, NM_001329223.2); c.796G>T, p.Ala266Ser (NM_001329224.2, NM_001329225.2); c.1585G>T, p.Ala529Ser (NM_198335.4); short protein forms A393S, A410S, A415S, A507S, A529S, A266S.
Identifiers: ClinVar variation 1522018 (VCV001522018.6), dbSNP rs2134477276, ClinGen allele CA380992529.